The following is an entry in ClinVar:

ClinVar aggregate classification (germline): Uncertain significance (1 of 4 stars; one submission).

Submission:

Labcorp Genetics (formerly Invitae), Labcorp
Classification: Uncertain significance. Last evaluated: 2021-07-01. Review status: criteria provided, single submitter. Criteria: Invitae Variant Classification Sherloc (09022015). Collection method: clinical testing. Allele origin: germline.
Comment: In summary, the available evidence is currently insufficient to determine the role of this variant in disease. Therefore, it has been classified as a Variant of Uncertain Significance. This sequence change replaces proline with arginine at codon 810 of the NTRK2 protein (p.Pro810Arg). The proline residue is highly conserved and there is a moderate physicochemical difference between proline and arginine. This variant is not present in population databases (ExAC no frequency). This variant has not been reported in the literature in individuals affected with NTRK2-related conditions. Advanced modeling of protein sequence and biophysical properties (such as structural, functional, and spatial information, amino acid conservation, physicochemical variation, residue mobility, and thermodynamic stability) performed at Invitae indicates that this missense variant is not expected to disrupt NTRK2 protein function.

NM_006180.6(NTRK2):c.2429C>G (p.Pro810Arg)

Gene: NTRK2 (neurotrophic receptor tyrosine kinase 2; plus strand). Cytogenetic location: 9q21.33.
Variant type: single nucleotide variant.
Coding change: c.2429C>G on transcript NM_006180.6 (MANE Select); coding-DNA position 2429, C replaced by G.
Protein change: p.Pro810Arg; replaces proline 810 with arginine.
Molecular consequence: missense variant.
Genome position (GRCh38, 1-based): chr9:85,021,349, C>G. VCF-style: chr9-85021349-C-G. GRCh37 (hg19) VCF-style: chr9-87636264-C-G.
Other names: c.2381C>G, p.Pro794Arg (NM_001018064.3, NM_001369532.1, NM_001369533.1); c.2345C>G, p.Pro782Arg (NM_001369534.1); c.1913C>G, p.Pro638Arg (NM_001369535.1); c.1961C>G, p.Pro654Arg (NM_001369536.1); short protein forms P654R, P782R, P794R, P638R, P810R.
Identifiers: ClinVar variation 1403784 (VCV001403784.8), dbSNP rs2118011243, ClinGen allele CA374009229.
Genomic context (GRCh38, chr9:85,021,349, plus strand): 5'-GACCCCGCACGTGCCCCCAGGAGGTGTATGAGCTGATGCTGGGGTGCTGGCAGCGAGAGC[C>G]CCACATGAGGAAGAACATCAAGGGCATCCATACCCTCCTTCAGAACTTGGCCAAGGCATC-3'
Protein context (NP_006171.2, residues 800-820): ELMLGCWQRE[Pro810Arg]HMRKNIKGIH